The following is an entry in ClinVar:

NM_006197.4(PCM1):c.4222C>A (p.His1408Asn)

Gene: PCM1 (pericentriolar material 1; plus strand). Cytogenetic location: 8p22.
Variant type: single nucleotide variant.
Coding change: c.4222C>A on transcript NM_006197.4 (MANE Select); coding-DNA position 4222, C replaced by A.
Protein change: p.His1408Asn; replaces histidine 1408 with asparagine.
Molecular consequence: missense variant. On other transcripts: non-coding transcript variant (1).
Genome position (GRCh38, 1-based): chr8:17,985,560, C>A. VCF-style: chr8-17985560-C-A. GRCh37 (hg19) VCF-style: chr8-17843069-C-A.
Other names: c.4222C>A, p.His1408Asn (NM_001315507.2, NM_001352634.2, NM_001352652.2 and 3 more transcripts); c.4060C>A, p.His1354Asn (NM_001315508.2, NM_001352640.2, NM_001352648.2 and 1 more transcripts); c.4339C>A, p.His1447Asn (NM_001352632.2, NM_001352643.2, NM_001352650.2 and 1 more transcripts); c.4360C>A, p.His1454Asn (NM_001352633.2); c.4225C>A, p.His1409Asn (NM_001352635.2); c.4177C>A, p.His1393Asn (NM_001352636.2); c.4174C>A, p.His1392Asn (NM_001352637.2, NM_001352638.2); c.4057C>A, p.His1353Asn (NM_001352639.2, NM_001352641.2, NM_001352642.2 and 7 more transcripts); short protein forms H1353N, H1354N, H1392N, H1393N, H1408N, H1409N, H1447N, H1454N.
Identifiers: ClinVar variation 4861675 (VCV004861675.1).
Genomic context (GRCh38, chr8:17,985,560, plus strand): 5'-GAAGTAGCTACATTAATTTCTCAAAATGAATCTCGTCCACATTTTCTTATTGAACTCTTC[C>A]ATGAGCTGCAGCTACTAAACACAGACTACTTGAGACAGAGGGCTTTATATGCATTGCAGG-3'
Protein context (NP_006188.4, residues 1398-1418): SRPHFLIELF[His1408Asn]ELQLLNTDYL

ClinVar aggregate classification (germline): Uncertain significance (1 of 4 stars; one submission).

gnomAD v4.1: 1 of 1,605,134 alleles (0.000062%); highest among the groups gnomAD compares: Non-Finnish European, 0.000085%; no homozygotes.

Submission:

Ambry Genetics
Classification: Uncertain significance. Last evaluated: 2026-05-27. Review status: criteria provided, single submitter. Criteria: Ambry Variant Classification Scheme 2023. Collection method: clinical testing. Allele origin: germline.
Comment: The c.4222C>A (p.H1408N) alteration is located in exon 25 (coding exon 23) of the PCM1 gene. This alteration results from a C to A substitution at nucleotide position 4222, causing the histidine (H) at amino acid position 1408 to be replaced by an asparagine (N). Based on data from gnomAD, the A allele has an overall frequency of <0.001% (1/237940) total alleles studied. The highest observed frequency was 0.001% (1/106880) of European (non-Finnish) alleles. Based on insufficient or conflicting evidence, the clinical significance of this alteration remains unclear.